The following is an entry in ClinVar:

ClinVar aggregate classification (germline): Uncertain significance (1 of 4 stars; one submission).

Allele frequency attached by ClinVar (database versions not stated): ExAC 0.00002; gnomAD 0.00003; TOPMed 0.00005.

Submission:

Labcorp Genetics (formerly Invitae), Labcorp
Classification: Uncertain significance. Last evaluated: 2022-04-12. Review status: criteria provided, single submitter. Criteria: Invitae Variant Classification Sherloc (09022015). Collection method: clinical testing. Allele origin: germline.
Comment: This sequence change replaces arginine, which is basic and polar, with glutamine, which is neutral and polar, at codon 241 of the CTSK protein (p.Arg241Gln). This variant is present in population databases (rs771997660, gnomAD 0.009%). This variant has not been reported in the literature in individuals affected with CTSK-related conditions. Advanced modeling of protein sequence and biophysical properties (such as structural, functional, and spatial information, amino acid conservation, physicochemical variation, residue mobility, and thermodynamic stability) performed at Invitae indicates that this missense variant is not expected to disrupt CTSK protein function. In summary, the available evidence is currently insufficient to determine the role of this variant in disease. Therefore, it has been classified as a Variant of Uncertain Significance.

NM_000396.4(CTSK):c.722G>A (p.Arg241Gln)

Gene: CTSK (cathepsin K; minus strand). Cytogenetic location: 1q21.3.
Variant type: single nucleotide variant.
Coding change: c.722G>A on transcript NM_000396.4 (MANE Select); coding-DNA position 722, G replaced by A.
Protein change: p.Arg241Gln; replaces arginine 241 with glutamine.
Molecular consequence: missense variant.
Genome position (GRCh38, 1-based): chr1:150,799,606, C>T on the plus strand (G>A on the coding strand, the complement: CTSK is on the minus strand). VCF-style: chr1-150799606-C-T. GRCh37 (hg19) VCF-style: chr1-150772082-C-T.
Other names: short protein forms R241Q.
Identifiers: ClinVar variation 2146134 (VCV002146134.1), dbSNP rs771997660, ClinGen allele CA1080447.
Genomic context (GRCh38, chr1:150,799,606, plus strand): 5'-TTGCTGTAAAACTGGAAGGAGGTCAGGCTTGCATCAATGGCCACAGAGACAGGTCCCACT[C>T]GGGCCACTGCCCTCTTCAGGGCTTTCTCATTCCCCTCGGGGATCTCTCTGTACCCTCTGC-3'
Protein context (NP_000387.1, residues 231-251): NEKALKRAVA[Arg241Gln]VGPVSVAIDA